The following is an entry in ClinVar:

NM_000138.5(FBN1):c.6037+54T>A

Gene: FBN1 (fibrillin 1; minus strand). Cytogenetic location: 15q21.1.
Variant type: single nucleotide variant.
Coding change: c.6037+54T>A on transcript NM_000138.5 (MANE Select); 54 bases into the intron after coding-DNA position 6037, T replaced by A.
Molecular consequence: intron variant.
Genome position (GRCh38, 1-based): chr15:48,444,487, A>T on the plus strand (T>A on the coding strand, the complement: FBN1 is on the minus strand). VCF-style: chr15-48444487-A-T. GRCh37 (hg19) VCF-style: chr15-48736684-A-T.
Identifiers: ClinVar variation 1273419 (VCV001273419.4), dbSNP rs2303502, ClinGen allele CA14117717.

ClinVar aggregate classification (germline): Benign. Review status: criteria provided, multiple submitters, no conflicts (2 of 4 stars). 3 submissions from 3 submitters: Benign (3). Last evaluated 2024-01-24.

Allele frequency attached by ClinVar (database versions not stated): 1000 Genomes Project 30x 0.61743; 1000 Genomes Project 0.62081; TOPMed 0.64927; gnomAD 0.65707 and 0.66194; gnomAD exomes 0.74005.
gnomAD v4.1: 1,174,869 of 1,604,964 alleles (73%); highest among the groups gnomAD compares: South Asian, 77%; 434,694 homozygotes.

Submissions (3):

Unidad de Genómica Garrahan, Hospital de Pediatría Garrahan
Classification: Benign. Last evaluated: 2024-01-24. Review status: criteria provided, single submitter. Criteria: ACMG Guidelines, 2015. Collection method: clinical testing. Allele origin: germline. Affected: no. Observed: 83 variant alleles.
Comment: This variant is classified as Benign based on local population frequency. This variant was detected in 94% of patients studied by a panel of primary immunodeficiencies. Number of patients: 83. Only high quality variants are reported.

GeneDx
Classification: Benign. Last evaluated: 2015-03-03. Review status: criteria provided, single submitter. Criteria: GeneDx Variant Classification Process June 2021. Collection method: clinical testing. Allele origin: germline. Affected: yes.

Breakthrough Genomics
Classification: Benign. Review status: criteria provided, single submitter. Criteria: ACMG Guidelines, 2015. Collection method: not provided. Allele origin: germline. Inheritance: Autosomal dominant inheritance. Affected: yes.